The following is an entry in ClinVar:

NM_015335.5(MED13L):c.3931A>C (p.Asn1311His)

Gene: MED13L (mediator complex subunit 13L; minus strand). Cytogenetic location: 12q24.21.
Variant type: single nucleotide variant.
Coding change: c.3931A>C on transcript NM_015335.5 (MANE Select); coding-DNA position 3931, A replaced by C.
Protein change: p.Asn1311His; replaces asparagine 1311 with histidine.
Molecular consequence: missense variant.
Genome position (GRCh38, 1-based): chr12:115,991,023, T>G on the plus strand (A>C on the coding strand, the complement: MED13L is on the minus strand). VCF-style: chr12-115991023-T-G. GRCh37 (hg19) VCF-style: chr12-116428828-T-G.
Other names: short protein forms N1311H.
Identifiers: ClinVar variation 4746418 (VCV004746418.1).

ClinVar aggregate classification (germline): Uncertain significance (1 of 4 stars; one submission).

Conditions:
Dextro-looped transposition of the great arteries. Also called: Dextrotransposition of the great arteries. Identifiers: Orphanet 860, MedGen C3531771, MONDO:0019443, OMIM 608808, HP:0031348.

Submission:

Labcorp Genetics (formerly Invitae), Labcorp
Classification: Uncertain significance for Dextro-looped transposition of the great arteries. Last evaluated: 2025-05-30. Review status: criteria provided, single submitter. Criteria: Invitae Variant Classification Sherloc (09022015). Collection method: clinical testing. Allele origin: germline.
Comment: This sequence change replaces asparagine, which is neutral and polar, with histidine, which is basic and polar, at codon 1311 of the MED13L protein (p.Asn1311His). This variant is not present in population databases (gnomAD no frequency). This variant has not been reported in the literature in individuals affected with MED13L-related conditions. Invitae Evidence Modeling of protein sequence and biophysical properties (such as structural, functional, and spatial information, amino acid conservation, physicochemical variation, residue mobility, and thermodynamic stability) has been performed for this missense variant. However, the output from this modeling did not meet the statistical confidence thresholds required to predict the impact of this variant on MED13L protein function. In summary, the available evidence is currently insufficient to determine the role of this variant in disease. Therefore, it has been classified as a Variant of Uncertain Significance.